The following is an entry in ClinVar:

NM_001297.5(CNGB1):c.3132C>T (p.Ala1044=)

Gene: CNGB1 (cyclic nucleotide gated channel subunit beta 1; minus strand). Cytogenetic location: 16q21.
Variant type: single nucleotide variant.
Coding change: c.3132C>T on transcript NM_001297.5 (MANE Select); coding-DNA position 3132, C replaced by T.
Protein change: p.Ala1044=; no amino-acid change (alanine 1044 retained).
Molecular consequence: synonymous variant.
Genome position (GRCh38, 1-based): chr16:57,897,507, G>A on the plus strand (C>T on the coding strand, the complement: CNGB1 is on the minus strand). VCF-style: chr16-57897507-G-A. GRCh37 (hg19) VCF-style: chr16-57931411-G-A.
Other names: c.3132C>T (NM_001297.4); c.3114C>T, p.Ala1038= (NM_001286130.2).
Identifiers: ClinVar variation 1132183 (VCV001132183.12), dbSNP rs369503135, ClinGen allele CA8082663.

ClinVar aggregate classification (germline): Likely benign. Review status: criteria provided, multiple submitters, no conflicts (2 of 4 stars). 4 submissions from 4 submitters: Likely benign (4). Last evaluated 2025-12-03.

Conditions:
CNGB1-related disorder. Also called: CNGB1-related condition.

Allele frequency attached by ClinVar (database versions not stated): gnomAD exomes 0.00001 and 0.00002; ExAC 0.00002; ESP Exome Variant Server 0.00017; 1000 Genomes Project 0.00020; gnomAD 0.00009; TOPMed 0.00009; 1000 Genomes Project 30x 0.00016.
gnomAD v4.1: 31 of 1,614,110 alleles (0.0019%); highest among the groups gnomAD compares: African/African-American, 0.033%; no homozygotes.

Submissions (4):

Labcorp Genetics (formerly Invitae), Labcorp
Classification: Likely benign. Last evaluated: 2025-12-03. Review status: criteria provided, single submitter. Criteria: Invitae Variant Classification Sherloc (09022015). Collection method: clinical testing. Allele origin: germline.

PreventionGenetics, part of Exact Sciences
Classification: Likely benign for CNGB1-related condition. Last evaluated: 2024-10-21. Review status: criteria provided, single submitter. Criteria: ACMG Guidelines, 2015. Collection method: clinical testing. Allele origin: germline.
Comment: This variant is classified as likely benign based on ACMG/AMP sequence variant interpretation guidelines (Richards et al. 2015 PMID: 25741868, with internal and published modifications).

Blueprint Genetics
Classification: Likely benign. Last evaluated: 2024-08-06. Review status: criteria provided, single submitter. Criteria: ACMG Guidelines, 2015. Collection method: clinical testing. Allele origin: germline.

Breakthrough Genomics
Classification: Likely benign. Review status: criteria provided, single submitter. Criteria: ACMG Guidelines, 2015. Collection method: not provided. Allele origin: germline. Inheritance: Autosomal recessive inheritance. Affected: yes.